The following is an entry in ClinVar:

NM_001346022.3(USP45):c.562T>G (p.Ser188Ala)

Genes: TSTD3 (thiosulfate sulfurtransferase like domain containing 3; plus strand), USP45 (ubiquitin specific peptidase 45; minus strand). Cytogenetic location: 6q16.2.
Variant type: single nucleotide variant.
Coding change: c.562T>G on transcript NM_001346022.3 (MANE Select); coding-DNA position 562, T replaced by G.
Protein change: p.Ser188Ala; replaces serine 188 with alanine.
Molecular consequence: missense variant. On other transcripts: 5 prime UTR variant (3), non-coding transcript variant (5).
Genome position (GRCh38, 1-based): chr6:99,488,737, A>C on the plus strand (T>G on the coding strand, the complement: USP45 is on the minus strand). VCF-style: chr6-99488737-A-C. GRCh37 (hg19) VCF-style: chr6-99936613-A-C.
Other names: c.562T>G, p.Ser188Ala (NM_001080481.3, NM_001346021.3, NM_001346024.3 and 4 more transcripts); c.559T>G, p.Ser187Ala (NM_001346023.3, NM_001346025.3); c.-564T>G (NM_001346027.3, NM_001346029.3); c.-427T>G (NM_001346028.3); short protein forms S187A, S188A.
Identifiers: ClinVar variation 1338205 (VCV001338205.4), dbSNP rs778515019, ClinGen allele CA3935569.

ClinVar aggregate classification (germline): Uncertain significance (1 of 4 stars; one submission).

Allele frequency attached by ClinVar (database versions not stated): gnomAD exomes below 0.00001; ExAC 0.00001.

Submission:

Genetic Services Laboratory, University of Chicago
Classification: Uncertain significance. Last evaluated: 2021-12-23. Review status: criteria provided, single submitter. Criteria: ACMG Guidelines, 2015. Collection method: clinical testing. Allele origin: germline. Affected: no.
Comment: This sequence change does not appear to have been previously described in individuals with USP45-related disorders. This sequence change has been described in the gnomAD database in one individual which corresponds to a population frequency of 0.00041% (dbSNP rs778515019). The p.Ser188Ala change affects a poorly conserved amino acid residue located in a domain of the USP45 protein that is not known to be functional. The p.Ser188Ala substitution appears to be benign using several in-silico pathogenicity prediction tools (SIFT, PolyPhen2, Align GVGD, REVEL). Due to insufficient evidence and the lack of functional studies, the clinical significance of the p.Ser188Ala change remains unknown at this time.